The following is an entry in ClinVar:

NM_015311.3(OBSL1):c.180C>T (p.Phe60=)

Gene: OBSL1 (obscurin like cytoskeletal adaptor 1; minus strand). Cytogenetic location: 2q35.
Variant type: single nucleotide variant.
Coding change: c.180C>T on transcript NM_015311.3 (MANE Select); coding-DNA position 180, C replaced by T.
Protein change: p.Phe60=; no amino-acid change (phenylalanine 60 retained).
Molecular consequence: synonymous variant.
Genome position (GRCh38, 1-based): chr2:219,571,053, G>A on the plus strand (C>T on the coding strand, the complement: OBSL1 is on the minus strand). VCF-style: chr2-219571053-G-A. GRCh37 (hg19) VCF-style: chr2-220435775-G-A.
Other names: c.180C>T, p.Phe60= (NM_001173408.2, NM_001173431.2).
Identifiers: ClinVar variation 2651936 (VCV002651936.26), dbSNP rs899086957, ClinGen allele CA431466341.
Genomic context (GRCh38, chr2:219,571,053, plus strand): 5'-CCCCGCGTCGGTGGGCAGTGCGGCGGTCAGCAGCAGGCCGTGCTCCGCGCCGTCCGCCGG[G>A]AAGCTCAGGCGTTCCGAGGCCGCCAGCTGCTGCCCGCCCTTCTCCCACACCACTACAGGC-3'
Protein context (NP_056126.1, residues 50-70): QQLAASERLS[Phe60=]PADGAEHGLL

ClinVar aggregate classification (germline): Likely benign. Review status: criteria provided, multiple submitters, no conflicts (2 of 4 stars). 2 submissions from 2 submitters: Likely benign (2). Last evaluated 2024-03-07.

Submissions (2):

Labcorp Genetics (formerly Invitae), Labcorp
Classification: Likely benign. Last evaluated: 2024-03-07. Review status: criteria provided, single submitter. Criteria: Invitae Variant Classification Sherloc (09022015). Collection method: clinical testing. Allele origin: germline.

CeGaT Center for Human Genetics Tuebingen
Classification: Likely benign. Last evaluated: 2023-09-01. Review status: criteria provided, single submitter. Criteria: CeGaT Center For Human Genetics Tuebingen Variant Classification Criteria Version 2. Collection method: clinical testing. Allele origin: germline. Affected: yes. Observed: 1 variant allele.
Comment: OBSL1: BP4, BP7